The following is an entry in ClinVar:

ClinVar aggregate classification (germline): Likely pathogenic (1 of 4 stars; one submission).

Conditions:
Frontotemporal dementia (FTD1). Also called: WILHELMSEN-LYNCH DISEASE; Dementia, frontotemporal, with or without parkinsonism; FRONTOTEMPORAL DEMENTIA WITH PARKINSONISM; FRONTOTEMPORAL LOBE DEMENTIA; MULTIPLE SYSTEM TAUOPATHY WITH PRESENILE DEMENTIA; Frontotemporal Dementia with Parkinsonism-17 (FTDP-17). Identifiers: Orphanet 282, MedGen C0338451, MONDO:0017276, OMIM 600274, HP:0002145.

Submission:

Labcorp Genetics (formerly Invitae), Labcorp
Classification: Likely pathogenic for Frontotemporal dementia. Last evaluated: 2022-06-07. Review status: criteria provided, single submitter. Criteria: Invitae Variant Classification Sherloc (09022015). Collection method: clinical testing. Allele origin: germline.
Comment: This variant is not present in population databases (gnomAD no frequency). This sequence change falls in intron 9 of the MAPT gene. It does not directly change the encoded amino acid sequence of the MAPT protein. This variant has not been reported in the literature in individuals affected with MAPT-related conditions. In summary, the currently available evidence indicates that the variant is pathogenic, but additional data are needed to prove that conclusively. Therefore, this variant has been classified as Likely Pathogenic. Other variant(s) that result in altered 4R to 3R ratio have been determined to be pathogenic (PMID: 9641683, 11708988, 11912108, 11971081, 17923640, 19365643, 19766248, 19786698, 20045477, 28097206). This suggests that this variant may also be clinically significant and likely to be disease-causing. Algorithms developed to predict the effect of sequence changes on RNA splicing suggest that this variant is not likely to affect RNA splicing.

Literature cited by the submitters: PubMed 9641683; PubMed 11708988; PubMed 11912108; PubMed 11971081; PubMed 17923640; PubMed 19365643; PubMed 19766248; PubMed 19786698; PubMed 20045477; PubMed 28097206.

NM_001377265.1(MAPT):c.2091+16C>G

Gene: MAPT (microtubule associated protein tau). Cytogenetic location: 17q21.31.
Variant type: single nucleotide variant.
Coding change: c.2091+16C>G on transcript NM_001377265.1 (MANE Select); 16 bases into the intron after coding-DNA position 2091, C replaced by G.
Molecular consequence: intron variant.
Genome position (GRCh38, 1-based): chr17:46,010,418, C>G. VCF-style: chr17-46010418-C-G. GRCh37 (hg19) VCF-style: chr17-44087784-C-G.
Other names: c.649-3825C>G (NM_001377268.1, NM_016841.5); c.1920+16C>G (NM_001123066.4); c.1866+16C>G (NM_016835.5); c.915+16C>G (NM_005910.6); c.823-3825C>G (NM_001203252.2); c.1801-3825C>G (NM_001377266.1); c.828+16C>G (NM_001123067.4); c.736-3825C>G (NM_001203251.2, NM_001377267.1); and 1 more.
Identifiers: ClinVar variation 2049744 (VCV002049744.4), dbSNP rs63751011, ClinGen allele CA2576299117.